The following is an entry in ClinVar:

ClinVar aggregate classification (germline): Uncertain significance. Review status: criteria provided, multiple submitters, no conflicts (2 of 4 stars). 3 submissions from 3 submitters: Uncertain significance (3). Last evaluated 2025-08-07.

Conditions:
Inborn genetic diseases. Identifiers: MedGen C0950123, MeSH D030342.

gnomAD v4.1: 41 of 1,614,108 alleles (0.0025%); highest among the groups gnomAD compares: South Asian, 0.013%; 2 homozygotes.

Submissions (3):

Labcorp Genetics (formerly Invitae), Labcorp
Classification: Uncertain significance. Last evaluated: 2025-08-07. Review status: criteria provided, single submitter. Criteria: Invitae Variant Classification Sherloc (09022015). Collection method: clinical testing. Allele origin: germline.
Comment: This sequence change replaces arginine, which is basic and polar, with glutamine, which is neutral and polar, at codon 249 of the FLAD1 protein (p.Arg249Gln). This variant is present in population databases (rs750133322, gnomAD 0.01%). This variant has not been reported in the literature in individuals affected with FLAD1-related conditions. ClinVar contains an entry for this variant (Variation ID: 3279005). An algorithm developed to predict the effect of missense changes on protein structure and function outputs the following: PolyPhen-2: "Benign". The glutamine amino acid residue is found in multiple mammalian species, which suggests that this missense change does not adversely affect protein function. In summary, the available evidence is currently insufficient to determine the role of this variant in disease. Therefore, it has been classified as a Variant of Uncertain Significance.

Mayo Clinic Laboratories, Mayo Clinic
Classification: Uncertain significance. Last evaluated: 2024-07-19. Review status: criteria provided, single submitter. Criteria: ACMG Guidelines, 2015. Collection method: clinical testing. Allele origin: germline. Observed: 1 variant allele.
Comment: BP4

Ambry Genetics
Classification: Uncertain significance for Inborn genetic diseases. Last evaluated: 2024-03-31. Review status: criteria provided, single submitter. Criteria: Ambry Variant Classification Scheme 2023. Collection method: clinical testing. Allele origin: germline.

NM_025207.5(FLAD1):c.746G>A (p.Arg249Gln)

Gene: FLAD1 (flavin adenine dinucleotide synthetase 1; plus strand). Cytogenetic location: 1q21.3.
Variant type: single nucleotide variant.
Coding change: c.746G>A on transcript NM_025207.5 (MANE Select); coding-DNA position 746, G replaced by A.
Protein change: p.Arg249Gln; replaces arginine 249 with glutamine.
Molecular consequence: missense variant.
Genome position (GRCh38, 1-based): chr1:154,988,478, G>A. VCF-style: chr1-154988478-G-A. GRCh37 (hg19) VCF-style: chr1-154960954-G-A.
Other names: p.Arg249Gln; c.455G>A, p.Arg152Gln (NM_001184891.2, NM_201398.3); c.449G>A, p.Arg150Gln (NM_001184892.2); short protein forms R150Q, R152Q, R249Q.
Identifiers: ClinVar variation 3279005 (VCV003279005.3).